The following is an entry in ClinVar:

NM_003922.4(HERC1):c.8283G>A (p.Gly2761=)

Gene: HERC1 (HECT and RLD domain containing E3 ubiquitin protein ligase family member 1; minus strand). Cytogenetic location: 15q22.31.
Variant type: single nucleotide variant.
Coding change: c.8283G>A on transcript NM_003922.4 (MANE Select); coding-DNA position 8283, G replaced by A.
Protein change: p.Gly2761=; no amino-acid change (glycine 2761 retained).
Molecular consequence: synonymous variant.
Genome position (GRCh38, 1-based): chr15:63,666,396, C>T on the plus strand (G>A on the coding strand, the complement: HERC1 is on the minus strand). VCF-style: chr15-63666396-C-T. GRCh37 (hg19) VCF-style: chr15-63958595-C-T.
Identifiers: ClinVar variation 2190988 (VCV002190988.29), dbSNP rs777417470, ClinGen allele CA7604984.

ClinVar aggregate classification (germline): Likely benign. Review status: criteria provided, multiple submitters, no conflicts (2 of 4 stars). 3 submissions from 3 submitters: Likely benign (3). Last evaluated 2026-01-20.

Allele frequency attached by ClinVar (database versions not stated): ExAC 0.00001.
gnomAD v4.1: 11 of 1,613,696 alleles (0.00068%); highest among the groups gnomAD compares: Admixed American, 0.0033%; no homozygotes.

Submissions (3):

Labcorp Genetics (formerly Invitae), Labcorp
Classification: Likely benign. Last evaluated: 2026-01-20. Review status: criteria provided, single submitter. Criteria: Invitae Variant Classification Sherloc (09022015). Collection method: clinical testing. Allele origin: germline.

Blueprint Genetics
Classification: Likely benign. Last evaluated: 2024-06-27. Review status: criteria provided, single submitter. Criteria: ACMG Guidelines, 2015. Collection method: clinical testing. Allele origin: germline.

CeGaT Center for Human Genetics Tuebingen
Classification: Likely benign. Last evaluated: 2023-02-01. Review status: criteria provided, single submitter. Criteria: CeGaT Center For Human Genetics Tuebingen Variant Classification Criteria Version 2. Collection method: clinical testing. Allele origin: germline. Affected: yes. Observed: 1 variant allele.
Comment: HERC1: BP4, BP7